The following is an entry in ClinVar:

ClinVar aggregate classification (germline): Uncertain significance. Review status: criteria provided, multiple submitters, no conflicts (2 of 4 stars). 2 submissions from 2 submitters: Uncertain significance (2). Last evaluated 2024-11-01.

Conditions:
Congenital myopathy with myasthenic-like onset. Identifiers: Orphanet 424107, MedGen C4706390, MONDO:0018528.

Allele frequency attached by ClinVar (database versions not stated): gnomAD exomes 0.00009; gnomAD 0.00012 and 0.00013; TOPMed 0.00014.
gnomAD v4.1: 264 of 1,563,094 alleles (0.017%); highest among the groups gnomAD compares: Admixed American, 0.021%; no homozygotes.

Submissions (2):

CeGaT Center for Human Genetics Tuebingen
Classification: Uncertain significance. Last evaluated: 2024-11-01. Review status: criteria provided, single submitter. Criteria: CeGaT Center For Human Genetics Tuebingen Variant Classification Criteria Version 2. Collection method: clinical testing. Allele origin: germline. Affected: yes. Observed: 2 variant alleles.
Comment: PAX7: PM2, PP3

Department of Pathology and Laboratory Medicine, Sinai Health System
Classification: Uncertain significance for congenital myopathy with myasthenic-like onset. Last evaluated: 2023-03-13. Review status: criteria provided, single submitter. Criteria: ACMG Guidelines, 2015. Collection method: research. Allele origin: germline.

NM_001135254.2(PAX7):c.587-8G>A

Gene: PAX7 (paired box 7; plus strand). Cytogenetic location: 1p36.13.
Variant type: single nucleotide variant.
Coding change: c.587-8G>A on transcript NM_001135254.2 (MANE Select); 8 bases into the intron before coding-DNA position 587, G replaced by A.
Molecular consequence: intron variant.
Genome position (GRCh38, 1-based): chr1:18,691,746, G>A. VCF-style: chr1-18691746-G-A. GRCh37 (hg19) VCF-style: chr1-19018240-G-A.
Other names: c.587-8G>A (NM_002584.3); c.581-8G>A (NM_013945.3).
Identifiers: ClinVar variation 1334959 (VCV001334959.36), dbSNP rs751430756, ClinGen allele CA645728.